The following is an entry in ClinVar:

NM_000417.3(IL2RA):c.256+109T>C

Gene: IL2RA (interleukin 2 receptor subunit alpha; minus strand). Cytogenetic location: 10p15.1.
Variant type: single nucleotide variant.
Coding change: c.256+109T>C on transcript NM_000417.3 (MANE Select); 109 bases into the intron after coding-DNA position 256, T replaced by C.
Molecular consequence: intron variant.
Genome position (GRCh38, 1-based): chr10:6,025,725, A>G on the plus strand (T>C on the coding strand, the complement: IL2RA is on the minus strand). VCF-style: chr10-6025725-A-G. GRCh37 (hg19) VCF-style: chr10-6067688-A-G.
Other names: c.256+109T>C (NM_001308243.2, NM_001308242.2).
Identifiers: ClinVar variation 2688212 (VCV002688212.2), dbSNP rs2025345, ClinGen allele CA15668111.

ClinVar aggregate classification (germline): Benign (1 of 4 stars; one submission).

Allele frequency attached by ClinVar (database versions not stated): gnomAD 0.31307; 1000 Genomes Project 30x 0.31636; 1000 Genomes Project 0.31989; TOPMed 0.32232; gnomAD exomes 0.36805.
gnomAD v4.1: 369,789 of 1,028,996 alleles (36%); highest among the groups gnomAD compares: Admixed American, 54%; 70,040 homozygotes.

Submission:

Unidad de Genómica Garrahan, Hospital de Pediatría Garrahan
Classification: Benign. Last evaluated: 2024-01-24. Review status: criteria provided, single submitter. Criteria: ACMG Guidelines, 2015. Collection method: clinical testing. Allele origin: germline. Affected: no. Observed: 32 variant alleles.
Comment: This variant is classified as Benign based on local population frequency. This variant was detected in 34% of patients studied by a panel of primary immunodeficiencies. Number of patients: 32. Only high quality variants are reported.